The following is an entry in ClinVar:

NM_000548.5(TSC2):c.134_137del (p.Leu45fs)

Gene: TSC2 (TSC complex subunit 2; plus strand). Cytogenetic location: 16p13.3.
Variant type: Deletion.
Coding change: c.134_137del on transcript NM_000548.5 (MANE Select); coding-DNA positions 134 to 137, 4 bases deleted (TGAG; older notation c.134_137delTGAG).
Protein change: p.Leu45fs; shifts the reading frame from leucine 45.
Molecular consequence: frameshift variant. On other transcripts: 5 prime UTR variant (19), non-coding transcript variant (5), intron variant (6).
Genome position (GRCh38, 1-based): chr16:2,048,749-2,048,752, TGAG deleted. VCF-style (leftmost placement, unchanged base first): chr16-2048748-CTGAG-C. GRCh37 (hg19) VCF-style: chr16-2098749-CTGAG-C.
Other names: c.134_137delTGAG (NM_000548.5); c.-1474_-1471del (NM_001406698.1); c.134_137del, p.Leu45fs (NM_021055.3, NM_001077183.3, NM_001114382.3 and 13 more transcripts); c.-10+684_-10+687del (NM_001406677.1, NM_001406675.1, NM_001406676.1 and 2 more transcripts); c.-89+684_-89+687del (NM_001406686.1); c.-1179_-1176del (NM_001406695.1, NM_001406694.1); c.-1286_-1283del (NM_001406696.1); c.-1298_-1295del (NM_001406697.1, NM_001406689.1, NM_001406690.1 and 2 more transcripts); and 5 more; short protein forms L45fs, L56fs.
Identifiers: ClinVar variation 3777215 (VCV003777215.1).

ClinVar aggregate classification (germline): Pathogenic (1 of 4 stars; one submission).

Conditions:
Tuberous sclerosis 2 (TSC2). Identifiers: Orphanet 805, MedGen C1860707, MONDO:0013199, OMIM 613254.

Submission:

Oasi Research Institute-IRCCS
Classification: Pathogenic for Tuberous sclerosis 2. Review status: criteria provided, single submitter. Criteria: ACMG Guidelines, 2015. Collection method: research. Allele origin: de novo. Affected: yes.
Comment: The genomic variant c.134_137delTGAG is a deletion of four nucleotides. This deletion lead to a frameshift mutation. It is expected to result in a protein truncation or nonsense mediated decay. ACMG criteria: PP4 (phenotype match), PM2 (absent from control), PP3 (in silico evidence), PS2 (de novo)= Pathogenic. Based on the evidence outlined above, the variant was classified as Pathogenic.